The following is an entry in ClinVar:

NM_002661.5(PLCG2):c.565-82C>A

Gene: PLCG2 (phospholipase C gamma 2; plus strand). Cytogenetic location: 16q23.3.
Variant type: single nucleotide variant.
Coding change: c.565-82C>A on transcript NM_002661.5 (MANE Select); 82 bases into the intron before coding-DNA position 565, C replaced by A.
Molecular consequence: intron variant.
Genome position (GRCh38, 1-based): chr16:81,870,770, C>A. VCF-style: chr16-81870770-C-A. GRCh37 (hg19) VCF-style: chr16-81904375-C-A.
Identifiers: ClinVar variation 1228037 (VCV001228037.6), dbSNP rs35039495, ClinGen allele CA15874235.
Genomic context (GRCh38, chr16:81,870,770, plus strand): 5'-AACAATGTGGTCATAGCTGTCTCTTCAGCATGCCAATAAAATAGCATGCCATTTCTGAAA[C>A]AAAAATTATTCTATAAATAGCATGGAGCCATTCTTACGGTGGACATCAAAAATCATGTGG-3'

ClinVar aggregate classification (germline): Benign. Review status: criteria provided, multiple submitters, no conflicts (2 of 4 stars). 3 submissions from 3 submitters: Benign (3). Last evaluated 2023-11-12.

Allele frequency attached by ClinVar (database versions not stated): 1000 Genomes Project 30x 0.50422; 1000 Genomes Project 0.51058; gnomAD 0.54223 and 0.54617.
gnomAD v4.1: 416,529 of 712,394 alleles (58%); highest among the groups gnomAD compares: Non-Finnish European, 61%; 123,965 homozygotes.

Submissions (3):

Unidad de Genómica Garrahan, Hospital de Pediatría Garrahan
Classification: Benign. Last evaluated: 2023-11-12. Review status: criteria provided, single submitter. Criteria: ACMG Guidelines, 2015. Collection method: clinical testing. Allele origin: germline. Affected: no. Observed: 54 variant alleles.
Comment: This variant is classified as Benign based on local population frequency. This variant was detected in 56% of patients studied by a panel of primary immunodeficiencies. Number of patients: 54. Only high quality variants are reported.

GeneDx
Classification: Benign. Last evaluated: 2021-05-14. Review status: criteria provided, single submitter. Criteria: GeneDx Variant Classification Process June 2021. Collection method: clinical testing. Allele origin: germline. Affected: yes.

Breakthrough Genomics
Classification: Benign. Review status: criteria provided, single submitter. Criteria: ACMG Guidelines, 2015. Collection method: not provided. Allele origin: germline. Inheritance: Autosomal dominant inheritance. Affected: yes.